The following is an entry in ClinVar:

ClinVar aggregate classification (germline): Benign. Review status: criteria provided, multiple submitters, no conflicts (2 of 4 stars). 2 submissions from 2 submitters: Benign (2). Last evaluated 2018-01-13.

Conditions:
Neuronopathy, distal hereditary motor, autosomal recessive 4. Also called: Autosomal recessive lower motor neuron disease with childhood onset; NEUROPATHY, DISTAL HEREDITARY MOTOR, AUTOSOMAL RECESSIVE 4. Identifiers: Orphanet 206580, MedGen C1970211, MONDO:0012608, OMIM 611067.

Allele frequency attached by ClinVar (database versions not stated): ESP Exome Variant Server 0.00423; gnomAD 0.00566 and 0.00644; TOPMed 0.00614; gnomAD exomes 0.00690 and 0.01097; ExAC 0.01063; 1000 Genomes Project 0.01178; 1000 Genomes Project 30x 0.01187.

Submissions (2):

Illumina Laboratory Services, Illumina
Classification: Benign for Neuronopathy, distal hereditary motor, autosomal recessive 4. Last evaluated: 2018-01-13. Review status: criteria provided, single submitter. Criteria: ICSL Variant Classification Criteria 13 December 2019. Collection method: clinical testing. Allele origin: germline.
Comment: This variant was observed in the ICSL laboratory as part of a predisposition screen in an ostensibly healthy population. It had not been previously curated by ICSL or reported in the Human Gene Mutation Database (HGMD: prior to June 1st, 2018), and was therefore a candidate for classification through an automated scoring system. Utilizing variant allele frequency, disease prevalence and penetrance estimates, and inheritance mode, an automated score was calculated to assess if this variant is too frequent to cause the disease. Based on the score and internal cut-off values, a variant classified as benign is not then subjected to further curation. The score for this variant resulted in a classification of benign for this disease.

Breakthrough Genomics
Classification: Benign. Review status: criteria provided, single submitter. Criteria: ACMG Guidelines, 2015. Collection method: not provided. Allele origin: germline. Inheritance: Autosomal recessive inheritance. Affected: yes.

NM_020631.6(PLEKHG5):c.*27T>C

Gene: PLEKHG5 (pleckstrin homology and RhoGEF domain containing G5; minus strand). Cytogenetic location: 1p36.31.
Variant type: single nucleotide variant.
Coding change: c.*27T>C on transcript NM_020631.6 (MANE Select); 27 bases downstream of the stop codon, T replaced by C.
Molecular consequence: 3 prime UTR variant.
Genome position (GRCh38, 1-based): chr1:6,467,536, A>G on the plus strand (T>C on the coding strand, the complement: PLEKHG5 is on the minus strand). VCF-style: chr1-6467536-A-G. GRCh37 (hg19) VCF-style: chr1-6527596-A-G.
Other names: c.*27T>C (NM_001042663.3, NM_001042664.2, NM_001042665.2 and 3 more transcripts); c.*55T>C (NM_001265594.3).
Identifiers: ClinVar variation 297932 (VCV000297932.6), dbSNP rs117494970, ClinGen allele CA561028.